The following is an entry in ClinVar:

NM_021614.4(KCNN2):c.289G>A (p.Gly97Ser)

Gene: KCNN2 (potassium calcium-activated channel subfamily N member 2; plus strand). Cytogenetic location: 5q22.3.
Variant type: single nucleotide variant.
Coding change: c.289G>A on transcript NM_021614.4 (MANE Select); coding-DNA position 289, G replaced by A.
Protein change: p.Gly97Ser; replaces glycine 97 with serine.
Molecular consequence: missense variant. On other transcripts: non-coding transcript variant (1).
Genome position (GRCh38, 1-based): chr5:114,362,428, G>A. VCF-style: chr5-114362428-G-A. GRCh37 (hg19) VCF-style: chr5-113698125-G-A.
Other names: c.487G>A, p.Gly163Ser (NM_001372233.1); short protein forms G163S, G97S.
Identifiers: ClinVar variation 5020818 (VCV005020818.1).

ClinVar aggregate classification (germline): Uncertain significance (1 of 4 stars; one submission).

gnomAD v4.1: 3 of 342,944 alleles (0.00087%); highest among the groups gnomAD compares: South Asian, 0.0061%; no homozygotes.

Submission:

Dasa
Classification: Uncertain significance. Last evaluated: 2025-10-29. Review status: criteria provided, single submitter. Criteria: DASA Assertion Criteria. Collection method: clinical testing. Allele origin: germline.
Comment: NM_021614.4(KCNN2):c.289G>A (p.Gly97Ser) is a missense variant that results in the substitution of glycine with serine. This variant is rare in population databases. The currently available literature and clinical evidence are not sufficient to establish a definitive association between this variant and the reported condition. Therefore, this variant is classified as a variant of uncertain significance.